The following is an entry in ClinVar:

ClinVar aggregate classification (germline): Likely benign. Review status: criteria provided, multiple submitters, no conflicts (2 of 4 stars). 4 submissions from 4 submitters: Likely benign (4). Last evaluated 2025-12-16.

Conditions:
Cardiovascular phenotype. Identifiers: MedGen CN230736.
Autosomal recessive limb-girdle muscular dystrophy type 2J (LGMDR10). Also called: MUSCULAR DYSTROPHY, LIMB-GIRDLE, AUTOSOMAL RECESSIVE 10; Limb-girdle muscular dystrophy, type 2J. Identifiers: Orphanet 140922, MedGen C1837342, MONDO:0012127, OMIM 608807.
Dilated cardiomyopathy 1G (CMD1G). Identifiers: Orphanet 154, MedGen C1858763, MONDO:0011400, OMIM 604145.

Allele frequency attached by ClinVar (database versions not stated): gnomAD exomes below 0.00001; TOPMed below 0.00001; gnomAD 0.00001.
gnomAD v4.1: 4 of 1,612,718 alleles (0.00025%); highest among the groups gnomAD compares: East Asian, 0.0022%; no homozygotes.

Submissions (4):

Labcorp Genetics (formerly Invitae), Labcorp
Classification: Likely benign for Dilated cardiomyopathy 1G; Autosomal recessive limb-girdle muscular dystrophy type 2J. Last evaluated: 2025-12-16. Review status: criteria provided, single submitter. Criteria: Invitae Variant Classification Sherloc (09022015). Collection method: clinical testing. Allele origin: germline.

Women's Health and Genetics/Laboratory Corporation of America, LabCorp
Classification: Likely benign. Last evaluated: 2025-06-26. Review status: criteria provided, single submitter. Criteria: LabCorp Variant Classification Summary - May 2015. Collection method: clinical testing. Allele origin: germline.

Ambry Genetics
Classification: Likely benign for Cardiovascular phenotype. Last evaluated: 2023-02-08. Review status: criteria provided, single submitter. Criteria: Ambry Variant Classification Scheme 2023. Collection method: clinical testing. Allele origin: germline.

GeneDx
Classification: Likely benign. Last evaluated: 2022-04-29. Review status: criteria provided, single submitter. Criteria: GeneDx Variant Classification Process June 2021. Collection method: clinical testing. Allele origin: germline. Affected: yes.
Comment: See Variant Classification Assertion Criteria.

NM_001267550.2(TTN):c.86769T>C (p.Asn28923=)

Genes: TTN (titin; minus strand), TTN-AS1 (TTN antisense RNA 1; plus strand). Cytogenetic location: 2q31.2.
Variant type: single nucleotide variant.
Coding change: c.86769T>C on transcript NM_001267550.2 (MANE Select); coding-DNA position 86769, T replaced by C.
Protein change: p.Asn28923=; no amino-acid change (asparagine 28923 retained).
Molecular consequence: synonymous variant.
Genome position (GRCh38, 1-based): chr2:178,559,363, A>G on the plus strand (T>C on the coding strand, the complement: TTN is on the minus strand). VCF-style: chr2-178559363-A-G. GRCh37 (hg19) VCF-style: chr2-179424090-A-G.
Other names: c.81846T>C, p.Asn27282= (NM_001256850.1); c.59574T>C, p.Asn19858= (NM_003319.4); c.79065T>C, p.Asn26355= (NM_133378.4); c.59949T>C, p.Asn19983= (NM_133432.3); c.60150T>C, p.Asn20050= (NM_133437.4); c.86769T>C (NM_001267550.1).
Identifiers: ClinVar variation 706521 (VCV000706521.16), dbSNP rs1438107682, ClinGen allele CA430247458.
Genomic context (GRCh38, chr2:178,559,363, plus strand): 5'-AAACATACCTGTTATTTTTACTCCTTCCTTTGTTTCAGCTGGTATACCAACACCAAACTC[A>G]TTTTCTCCAGAGACTCTGAAGTAATAGATAGCTCCTTCTTGTAAATTGGTAACTTTGTAG-3'
Protein context (NP_001254479.2, residues 28913-28933): AIYYFRVSGE[Asn28923=]EFGVGIPAET